The following is an entry in ClinVar:

ClinVar aggregate classification (germline): Uncertain significance. Review status: criteria provided, multiple submitters, no conflicts (2 of 4 stars). 2 submissions from 2 submitters: Uncertain significance (2). Last evaluated 2022-04-22.

Conditions:
Inborn genetic diseases. Identifiers: MedGen C0950123, MeSH D030342.

Submissions (2):

Ambry Genetics
Classification: Uncertain significance for Inborn genetic diseases. Last evaluated: 2022-04-22. Review status: criteria provided, single submitter. Criteria: Ambry Variant Classification Scheme 2023. Collection method: clinical testing. Allele origin: germline.

GeneDx
Classification: Uncertain significance. Last evaluated: 2021-05-15. Review status: criteria provided, single submitter. Criteria: GeneDx Variant Classification Process June 2021. Collection method: clinical testing. Allele origin: germline. Affected: yes.
Comment: Has not been previously published as pathogenic or benign to our knowledge; Not observed in large population cohorts (Lek et al., 2016); In silico analysis supports that this missense variant has a deleterious effect on protein structure/function

NM_002336.3(LRP6):c.1295T>C (p.Leu432Pro)

Gene: LRP6 (LDL receptor related protein 6; minus strand). Cytogenetic location: 12p13.2.
Variant type: single nucleotide variant.
Coding change: c.1295T>C on transcript NM_002336.3 (MANE Select); coding-DNA position 1295, T replaced by C.
Protein change: p.Leu432Pro; replaces leucine 432 with proline.
Molecular consequence: missense variant.
Genome position (GRCh38, 1-based): chr12:12,181,121, A>G on the plus strand (T>C on the coding strand, the complement: LRP6 is on the minus strand). VCF-style: chr12-12181121-A-G. GRCh37 (hg19) VCF-style: chr12-12334055-A-G.
Other names: short protein forms L432P.
Identifiers: ClinVar variation 1321722 (VCV001321722.4), dbSNP rs2136991265, ClinGen allele CA383950496.